The following is an entry in ClinVar:

ClinVar aggregate classification (germline): Uncertain significance (1 of 4 stars; one submission).

Conditions:
Mosaic variegated aneuploidy syndrome 1 (MVA1). Also called: Warburton-Anyane-Yeboa syndrome. Identifiers: Orphanet 1052, MedGen C1850343, MONDO:0009759, OMIM 257300.

Allele frequency attached by ClinVar (database versions not stated): gnomAD exomes below 0.00001.
gnomAD v4.1: 4 of 1,614,034 alleles (0.00025%); highest among the groups gnomAD compares: Non-Finnish European, 0.00034%; no homozygotes.

Submission:

Labcorp Genetics (formerly Invitae), Labcorp
Classification: Uncertain significance for Mosaic variegated aneuploidy syndrome 1. Last evaluated: 2019-01-04. Review status: criteria provided, single submitter. Criteria: Invitae Variant Classification Sherloc (09022015). Collection method: clinical testing. Allele origin: germline.
Comment: In summary, the available evidence is currently insufficient to determine the role of this variant in disease. Therefore, it has been classified as a Variant of Uncertain Significance. Algorithms developed to predict the effect of sequence changes on RNA splicing suggest that this variant may disrupt the consensus splice site, but this prediction has not been confirmed by published transcriptional studies. This variant has not been reported in the literature in individuals with BUB1B-related conditions. This variant is not present in population databases (ExAC no frequency). This sequence change falls in intron 4 of the BUB1B gene. It does not directly change the encoded amino acid sequence of the BUB1B protein.

NM_001211.6(BUB1B):c.385-10T>G

Gene: BUB1B (BUB1 mitotic checkpoint serine/threonine kinase B; plus strand). Cytogenetic location: 15q15.1.
Variant type: single nucleotide variant.
Coding change: c.385-10T>G on transcript NM_001211.6 (MANE Select); 10 bases into the intron before coding-DNA position 385, T replaced by G.
Molecular consequence: intron variant.
Genome position (GRCh38, 1-based): chr15:40,176,467, T>G. VCF-style: chr15-40176467-T-G. GRCh37 (hg19) VCF-style: chr15-40468668-T-G.
Identifiers: ClinVar variation 843262 (VCV000843262.11), dbSNP rs2037224613, ClinGen allele CA916081747.